The following is an entry in ClinVar:

ClinVar aggregate classification (germline): Likely benign (0 of 4 stars; one submission).

Conditions:
FOXF1-related disorder. Also called: FOXF1-related condition.

gnomAD v4.1: 17 of 1,609,778 alleles (0.0011%); highest among the groups gnomAD compares: Admixed American, 0.0067%; no homozygotes.

Submission:

PreventionGenetics, part of Exact Sciences
Classification: Likely benign for FOXF1-related condition. Last evaluated: 2019-03-14. Review status: no assertion criteria provided. Collection method: clinical testing. Allele origin: germline.
Comment: This variant is classified as likely benign based on ACMG/AMP sequence variant interpretation guidelines (Richards et al. 2015 PMID: 25741868, with internal and published modifications).

NM_001451.3(FOXF1):c.*8G>A

Gene: FOXF1 (forkhead box F1; plus strand). Cytogenetic location: 16q24.1.
Variant type: single nucleotide variant.
Coding change: c.*8G>A on transcript NM_001451.3 (MANE Select); 8 bases downstream of the stop codon, G replaced by A.
Molecular consequence: 3 prime UTR variant.
Genome position (GRCh38, 1-based): chr16:86,513,093, G>A. VCF-style: chr16-86513093-G-A. GRCh37 (hg19) VCF-style: chr16-86546699-G-A.
Identifiers: ClinVar variation 3034409 (VCV003034409.2), dbSNP rs750231814, ClinGen allele CA8217570.
Genomic context (GRCh38, chr16:86,513,093, plus strand): 5'-CCTACTACCACCAGCAGGTCACCTACCAAGACATCAAGCCTTGCGTGATGTGAGGCTGCC[G>A]CCGCAGGCCCTCCTGGTGCAGGCAGGCGGGTCACAGGGACCCTGGACCGGCACAAGAAAC-3'